The following is an entry in ClinVar:

NM_022455.5(NSD1):c.3274C>T (p.Gln1092Ter)

Gene: NSD1 (nuclear receptor binding SET domain protein 1; plus strand). Cytogenetic location: 5q35.3.
Variant type: single nucleotide variant.
Coding change: c.3274C>T on transcript NM_022455.5 (MANE Select); coding-DNA position 3274, C replaced by T.
Protein change: p.Gln1092Ter; replaces glutamine 1092 with a stop codon.
Molecular consequence: nonsense.
Genome position (GRCh38, 1-based): chr5:177,211,673, C>T. VCF-style: chr5-177211673-C-T. GRCh37 (hg19) VCF-style: chr5-176638674-C-T.
Other names: c.2401C>T, p.Gln801Ter (NM_001365684.2, NM_001409306.1, NM_001409307.1 and 3 more transcripts); c.3274C>T, p.Gln1092Ter (NM_001409301.1, NM_001409302.1, NM_001409303.1); c.2854C>T, p.Gln952Ter (NM_001409304.1); c.2521C>T, p.Gln841Ter (NM_001409305.1); short protein forms Q1092*, Q823*, Q952*, Q841*, Q801*.
Identifiers: ClinVar variation 620385 (VCV000620385.1), dbSNP rs1562212423, ClinGen allele CA362323333.

ClinVar aggregate classification (germline): Pathogenic (1 of 4 stars; one submission).

Submission:

GeneDx
Classification: Pathogenic. Last evaluated: 2018-09-26. Review status: criteria provided, single submitter. Criteria: GeneDx Variant Classification (06012015). Collection method: clinical testing. Allele origin: germline. Affected: yes.
Comment: The Q1092X nonsense variant in the NSD1 gene is predicted to cause loss of normal protein function either through protein truncation or nonsense-mediated mRNA decay. This variant is not observed in large population cohorts (Lek et al., 2016). Although this pathogenic variant has not been reported previously to our knowledge, its presence is consistent with the diagnosis of Sotos syndrome.